The following is an entry in ClinVar:

ClinVar aggregate classification (germline): Benign/Likely benign. Review status: criteria provided, multiple submitters, no conflicts (2 of 4 stars). 8 submissions from 8 submitters: Benign (3); Likely benign (3). 2 of the submissions do not count toward it. Last evaluated 2026-01-20.

Conditions:
Pheochromocytoma. Also called: MAX-Related Hereditary Paraganglioma-Pheochromocytoma Syndrome. Identifiers: Orphanet 29072, MedGen C0031511, MONDO:0008233, OMIM 171300, HP:0002666.
Gastrointestinal stromal tumor. Also called: Gastrointestinal stromal tumor, somatic; Gastrointestinal stroma tumor. Identifiers: Orphanet 44890, MedGen C0238198, MeSH D046152, MONDO:0011719, OMIM 606764, HP:0100723.
Pheochromocytoma/paraganglioma syndrome 4. Also called: SDHB-Related Hereditary Paraganglioma-Pheochromocytoma Syndrome (Paragangliomas 4); SDHB-Related Hereditary Paraganglioma-Pheochromocytoma Syndrome; Paragangliomas 4; CAROTID BODY TUMORS AND MULTIPLE EXTRAADRENAL PHEOCHROMOCYTOMAS; PARAGANGLIOMA, FAMILIAL MALIGNANT; PARAGANGLIOMAS, HEREDITARY EXTRAADRENAL. Identifiers: Orphanet 29072, MedGen C1861848, MONDO:0007273, OMIM 115310.
Mitochondrial complex 2 deficiency, nuclear type 4. Also called: MITOCHONDRIAL COMPLEX II DEFICIENCY, NUCLEAR TYPE 4. Identifiers: MedGen C5543176, MONDO:0030974, OMIM 619224.
Carney-Stratakis syndrome. Also called: PARAGANGLIOMA AND GASTROINTESTINAL STROMAL TUMOR. Identifiers: Orphanet 97286, MedGen C1847319, MONDO:0011740, OMIM 606864.

Submissions (8):

Labcorp Genetics (formerly Invitae), Labcorp
Classification: Benign for Gastrointestinal stromal tumor; Pheochromocytoma/paraganglioma syndrome 4; Pheochromocytoma. Last evaluated: 2026-01-20. Review status: criteria provided, single submitter. Criteria: Invitae Variant Classification Sherloc (09022015). Collection method: clinical testing. Allele origin: germline.

Myriad Genetics, Inc.
Classification: Benign for Pheochromocytoma/paraganglioma syndrome 4. Last evaluated: 2025-03-12. Review status: criteria provided, single submitter. Criteria: Myriad Autosomal Dominant, Autosomal Recessive and X-Linked Classification Criteria (2023). Collection method: clinical testing. Allele origin: unknown.
Comment: This variant is considered benign. This variant is intronic and is not expected to impact mRNA splicing.

Center for Genomic Medicine, Rigshospitalet, Copenhagen University Hospital
Classification: Likely benign. Last evaluated: 2025-03-04. Review status: criteria provided, single submitter. Criteria: ACMG Guidelines, 2015. Collection method: clinical testing. Allele origin: germline.

Blueprint Genetics
Classification: Likely benign. Last evaluated: 2024-11-26. Review status: criteria provided, single submitter. Criteria: ACMG Guidelines, 2015. Collection method: clinical testing. Allele origin: germline.

Department of Pathology and Laboratory Medicine, Sinai Health System
Classification: Likely benign for Pheochromocytoma/paraganglioma syndrome 4; Gastrointestinal stromal tumor; Carney-Stratakis syndrome; Mitochondrial complex 2 deficiency, nuclear type 4. Last evaluated: 2024-10-22. Review status: criteria provided, single submitter. Criteria: ACMG Guidelines, 2015. Collection method: clinical testing. Allele origin: germline.

ARUP Laboratories, Molecular Genetics and Genomics, ARUP Laboratories
Classification: Benign. Last evaluated: 2021-01-22. Review status: criteria provided, single submitter. Criteria: ARUP Molecular Germline Variant Investigation Process 2021. Collection method: clinical testing. Allele origin: germline.

Clinical Genetics, Academic Medical Center
Classification: Likely benign. Review status: no assertion criteria provided. Collection method: clinical testing. Allele origin: germline. Affected: yes. Study: VKGL Data-share Consensus. Not counted in ClinVar's aggregate classification.

Genome Diagnostics Laboratory, Amsterdam University Medical Center
Classification: Likely benign. Review status: no assertion criteria provided. Collection method: clinical testing. Allele origin: germline. Affected: yes. Study: VKGL Data-share Consensus. Not counted in ClinVar's aggregate classification.

NM_003000.3(SDHB):c.424-37TTC[7]

Gene: SDHB (succinate dehydrogenase complex iron sulfur subunit B; minus strand). Cytogenetic location: 1p36.13.
Variant type: Microsatellite.
Coding change: c.424-37TTC[7] on transcript NM_003000.3 (MANE Select); seven copies in a row of the 3-base unit TTC starting at c.424-37; the reference has eight copies in a row; one copy, 3 bases deleted.
Molecular consequence: intron variant.
Genome position (GRCh38, 1-based): chr1:17,027,879-17,027,881, GAA deleted on the plus strand (TTC on the coding strand, the reverse complement: SDHB is on the minus strand); deleting any 3 consecutive bases within chr1:17,027,879-17,027,902 gives the same sequence; the position shown is the placement nearest the transcript's 3' end. VCF-style (leftmost placement, unchanged base first): chr1-17027878-GGAA-G. GRCh37 (hg19) VCF-style: chr1-17354373-GGAA-G.
Other names: c.424-16_424-14delTTC (NM_003000.3).
Identifiers: ClinVar variation 811269 (VCV000811269.29), dbSNP rs34261028, ClinGen allele CA637818.
Genomic context (GRCh38, chr1:17,027,878, plus strand): 5'-CAAATAAGGCTCAATGGATTTGTACTGTGCATAGAAGTTGCTCAAATCCTGTGGTTAAGA[GGAA>G]GAAGAAGAAGAAGAAGAAGAAAAGGATCAGATTCCATCATCACCTCAGCTTTATTTACCC-3'